The following is an entry in ClinVar:

ClinVar aggregate classification (germline): Benign/Likely benign. Review status: criteria provided, multiple submitters, no conflicts (2 of 4 stars). 2 submissions from 2 submitters: Benign (1); Likely benign (1). Last evaluated 2025-02-07.

Conditions:
Colorectal cancer, susceptibility to, 12 (CRCS12). Also called: COLORECTAL CANCER, SUSCEPTIBILITY TO, ON CHROMOSOME 12q24. Identifiers: Orphanet 220460, MedGen C3554460, MONDO:0014038, OMIM 615083.

Submissions (2):

Myriad Genetics, Inc.
Classification: Benign for Colorectal cancer, susceptibility to, 12. Last evaluated: 2025-02-07. Review status: criteria provided, single submitter. Criteria: Myriad Autosomal Dominant, Autosomal Recessive and X-Linked Classification Criteria (2023). Collection method: clinical testing. Allele origin: unknown.
Comment: This variant is considered benign. This variant is a silent/synonymous amino acid change and it is not expected to impact splicing.

Labcorp Genetics (formerly Invitae), Labcorp
Classification: Likely benign. Last evaluated: 2023-09-21. Review status: criteria provided, single submitter. Criteria: Invitae Variant Classification Sherloc (09022015). Collection method: clinical testing. Allele origin: germline.

NM_006231.4(POLE):c.927C>T (p.Asn309=)

Gene: POLE (DNA polymerase epsilon, catalytic subunit; minus strand). Cytogenetic location: 12q24.33.
Variant type: single nucleotide variant.
Coding change: c.927C>T on transcript NM_006231.4 (MANE Select); coding-DNA position 927, C replaced by T.
Protein change: p.Asn309=; no amino-acid change (asparagine 309 retained).
Molecular consequence: synonymous variant.
Genome position (GRCh38, 1-based): chr12:132,676,187, G>A on the plus strand (C>T on the coding strand, the complement: POLE is on the minus strand). VCF-style: chr12-132676187-G-A. GRCh37 (hg19) VCF-style: chr12-133252773-G-A.
Identifiers: ClinVar variation 2911799 (VCV002911799.4), dbSNP rs1031604182, ClinGen allele CA246298823.